The following is an entry in ClinVar:

NM_033305.3(VPS13A):c.3574_3575del (p.Met1192fs)

Gene: VPS13A (vacuolar protein sorting 13 homolog A; plus strand). Cytogenetic location: 9q21.2.
Variant type: Deletion.
Coding change: c.3574_3575del on transcript NM_033305.3 (MANE Select); coding-DNA positions 3574 to 3575, 2 bases deleted (AT; older notation c.3574_3575delAT).
Protein change: p.Met1192fs; shifts the reading frame from methionine 1192.
Molecular consequence: frameshift variant.
Genome position (GRCh38, 1-based): chr9:77,295,608-77,295,609, AT deleted. VCF-style (leftmost placement, unchanged base first): chr9-77295607-AAT-A. GRCh37 (hg19) VCF-style: chr9-79910523-AAT-A.
Other names: c.3457_3458del, p.Met1153fs (NM_001018037.2); c.3574_3575del, p.Met1192fs (NM_001018038.3, NM_015186.4); short protein forms M1153fs, M1192fs.
Identifiers: ClinVar variation 2768864 (VCV002768864.3), dbSNP rs2537896161, ClinGen allele CA2697557800.

ClinVar aggregate classification (germline): Pathogenic (1 of 4 stars; one submission).

Submission:

Labcorp Genetics (formerly Invitae), Labcorp
Classification: Pathogenic. Last evaluated: 2023-10-15. Review status: criteria provided, single submitter. Criteria: Invitae Variant Classification Sherloc (09022015). Collection method: clinical testing. Allele origin: germline.
Comment: This sequence change creates a premature translational stop signal (p.Met1192Glyfs*20) in the VPS13A gene. It is expected to result in an absent or disrupted protein product. Loss-of-function variants in VPS13A are known to be pathogenic (PMID: 12404112, 21598378). This variant is not present in population databases (gnomAD no frequency). This variant has not been reported in the literature in individuals affected with VPS13A-related conditions. For these reasons, this variant has been classified as Pathogenic.

Literature cited by the submitters: PubMed 12404112; PubMed 21598378.